The following is an entry in ClinVar:

NM_022765.4(MICAL1):c.3022G>A (p.Asp1008Asn)

Gene: MICAL1 (microtubule associated monooxygenase, calponin and LIM domain containing 1; minus strand). Cytogenetic location: 6q21.
Variant type: single nucleotide variant.
Coding change: c.3022G>A on transcript NM_022765.4 (MANE Select); coding-DNA position 3022, G replaced by A.
Protein change: p.Asp1008Asn; replaces aspartic acid 1008 with asparagine.
Molecular consequence: missense variant.
Genome position (GRCh38, 1-based): chr6:109,444,758, C>T on the plus strand (G>A on the coding strand, the complement: MICAL1 is on the minus strand). VCF-style: chr6-109444758-C-T. GRCh37 (hg19) VCF-style: chr6-109765961-C-T.
Other names: c.2764G>A, p.Asp922Asn (NM_001159291.2); c.3079G>A, p.Asp1027Asn (NM_001286613.2); c.3022G>A (NM_022765.3); short protein forms D1008N, D1027N, D922N.
Identifiers: ClinVar variation 3608195 (VCV003608195.3).

ClinVar aggregate classification (germline): Uncertain significance. Review status: criteria provided, multiple submitters, no conflicts (2 of 4 stars). 2 submissions from 2 submitters: Uncertain significance (2). Last evaluated 2025-07-31.

gnomAD v4.1: 1 of 1,614,130 alleles (0.000062%); highest among the groups gnomAD compares: African/African-American, 0.0013%; no homozygotes.

Submissions (2):

Ambry Genetics
Classification: Uncertain significance. Last evaluated: 2025-07-31. Review status: criteria provided, single submitter. Criteria: Ambry Variant Classification Scheme 2023. Collection method: clinical testing. Allele origin: germline.

Labcorp Genetics (formerly Invitae), Labcorp
Classification: Uncertain significance. Last evaluated: 2024-02-17. Review status: criteria provided, single submitter. Criteria: Invitae Variant Classification Sherloc (09022015). Collection method: clinical testing. Allele origin: germline.
Comment: This sequence change replaces aspartic acid, which is acidic and polar, with asparagine, which is neutral and polar, at codon 1027 of the MICAL1 protein (p.Asp1027Asn). This variant is not present in population databases (gnomAD no frequency). This variant has not been reported in the literature in individuals affected with MICAL1-related conditions. An algorithm developed to predict the effect of missense changes on protein structure and function (PolyPhen-2) suggests that this variant is likely to be disruptive. In summary, the available evidence is currently insufficient to determine the role of this variant in disease. Therefore, it has been classified as a Variant of Uncertain Significance.